The following is an entry in ClinVar:

ClinVar aggregate classification (germline): Uncertain significance (1 of 4 stars; one submission).

Allele frequency attached by ClinVar (database versions not stated): gnomAD exomes below 0.00001; ExAC 0.00001.
gnomAD v4.1: 8 of 1,614,098 alleles (0.0005%); highest among the groups gnomAD compares: South Asian, 0.0011%; no homozygotes.

Submission:

GeneDx
Classification: Uncertain significance. Last evaluated: 2019-06-07. Review status: criteria provided, single submitter. Criteria: GeneDx Variant Classification Process June 2021. Collection method: clinical testing. Allele origin: germline. Affected: yes.
Comment: Not observed at a significant frequency in large population cohorts (Lek et al., 2016); In silico analysis, which includes protein predictors and evolutionary conservation, supports a deleterious effect; Has not been previously published as pathogenic or benign to our knowledge

NM_024312.5(GNPTAB):c.2852G>A (p.Arg951Gln)

Gene: GNPTAB (N-acetylglucosamine-1-phosphate transferase subunits alpha and beta; minus strand). Cytogenetic location: 12q23.2.
Variant type: single nucleotide variant.
Coding change: c.2852G>A on transcript NM_024312.5 (MANE Select); coding-DNA position 2852, G replaced by A.
Protein change: p.Arg951Gln; replaces arginine 951 with glutamine.
Molecular consequence: missense variant.
Genome position (GRCh38, 1-based): chr12:101,761,627, C>T on the plus strand (G>A on the coding strand, the complement: GNPTAB is on the minus strand). VCF-style: chr12-101761627-C-T. GRCh37 (hg19) VCF-style: chr12-102155405-C-T.
Other names: short protein forms R951Q.
Identifiers: ClinVar variation 1306188 (VCV001306188.2), dbSNP rs777346722, ClinGen allele CA6746338.